The following is an entry in ClinVar:

ClinVar aggregate classification (germline): Likely benign. Review status: criteria provided, multiple submitters, no conflicts (2 of 4 stars). 6 submissions from 6 submitters: Likely benign (5). 1 of the submissions does not count toward it. Last evaluated 2026-01-07.

Conditions:
ALG9-related disorder. Also called: ALG9-related condition.
ALG9 congenital disorder of glycosylation (CDG1L). Also called: ALG9-CDG; CDG Il; CONGENITAL DISORDER OF GLYCOSYLATION, TYPE Il. Identifiers: Orphanet 79328, MedGen C2931006, MONDO:0012117, OMIM 608776.
Gillessen-Kaesbach-Nishimura syndrome (GIKANIS). Identifiers: MedGen C1849762, MONDO:0009890, OMIM 263210.

Allele frequency attached by ClinVar (database versions not stated): ExAC 0.00024; gnomAD exomes 0.00030 and 0.00065; gnomAD 0.00046; TOPMed 0.00049; ESP Exome Variant Server 0.00057.
gnomAD v4.1: 1,047 of 1,613,986 alleles (0.065%); highest among the groups gnomAD compares: Non-Finnish European, 0.079%; 2 homozygotes.

Submissions (6):

Labcorp Genetics (formerly Invitae), Labcorp
Classification: Likely benign for ALG9 congenital disorder of glycosylation. Last evaluated: 2026-01-07. Review status: criteria provided, single submitter. Criteria: Invitae Variant Classification Sherloc (09022015). Collection method: clinical testing. Allele origin: germline.

CeGaT Center for Human Genetics Tuebingen
Classification: Likely benign. Last evaluated: 2022-11-01. Review status: criteria provided, single submitter. Criteria: CeGaT Center For Human Genetics Tuebingen Variant Classification Criteria Version 2. Collection method: clinical testing. Allele origin: germline. Affected: yes. Observed: 1 variant allele.
Comment: ALG9: BP4, BP7

Fulgent Genetics
Classification: Likely benign for Gillessen-Kaesbach-Nishimura syndrome; ALG9 congenital disorder of glycosylation. Last evaluated: 2021-11-24. Review status: criteria provided, single submitter. Criteria: ACMG Guidelines, 2015. Collection method: clinical testing. Allele origin: unknown.

GeneDx
Classification: Likely benign. Last evaluated: 2017-04-17. Review status: criteria provided, single submitter. Criteria: GeneDx Variant Classification (06012015). Collection method: clinical testing. Allele origin: germline. Affected: yes.
Comment: This variant is considered likely benign or benign based on one or more of the following criteria: it is a conservative change, it occurs at a poorly conserved position in the protein, it is predicted to be benign by multiple in silico algorithms, and/or has population frequency not consistent with disease.

Breakthrough Genomics
Classification: Likely benign. Review status: criteria provided, single submitter. Criteria: ACMG Guidelines, 2015. Collection method: not provided. Allele origin: germline. Inheritance: Autosomal recessive inheritance. Affected: yes.

PreventionGenetics, part of Exact Sciences
Classification: Likely benign for ALG9-related condition. Last evaluated: 2019-03-29. Review status: no assertion criteria provided. Collection method: clinical testing. Allele origin: germline. Not counted in ClinVar's aggregate classification.
Comment: This variant is classified as likely benign based on ACMG/AMP sequence variant interpretation guidelines (Richards et al. 2015 PMID: 25741868, with internal and published modifications).

NM_024740.2(ALG9):c.537C>T (p.Leu179=)

Gene: ALG9 (ALG9 alpha-1,2-mannosyltransferase; minus strand). Cytogenetic location: 11q23.1.
Variant type: single nucleotide variant.
Coding change: c.537C>T on transcript NM_024740.2 (MANE Select); coding-DNA position 537, C replaced by T.
Protein change: p.Leu179=; no amino-acid change (leucine 179 retained).
Molecular consequence: synonymous variant. On other transcripts: 5 prime UTR variant (1), non-coding transcript variant (1).
Genome position (GRCh38, 1-based): chr11:111,860,575, G>A on the plus strand (C>T on the coding strand, the complement: ALG9 is on the minus strand). VCF-style: chr11-111860575-G-A. GRCh37 (hg19) VCF-style: chr11-111731298-G-A.
Other names: c.537C>T, p.Leu179= (NM_001077690.1, NM_001352417.1, NM_001352418.1); c.24C>T, p.Leu8= (NM_001077691.2, NM_001077692.2, NM_001352409.1 and 11 more transcripts); c.-195C>T (NM_001352422.2).
Identifiers: ClinVar variation 506455 (VCV000506455.39), dbSNP rs199614437, ClinGen allele CA6274647.
Genomic context (GRCh38, chr11:111,860,575, plus strand): 5'-CCTGCAATTCCCTCATCTGCCCTTTTACTTACCTGATGATGAGCAAAACATGCCAGTGCT[G>A]AGAACCAAGAAGGCTAGCATCATTCGACTCACGTGCAACCCAAACTTCTTGCACACAGCC-3'
Protein context (NP_079016.2, residues 169-189): VSRMMLAFLV[Leu179=]STGMFCSSSA